The following is an entry in ClinVar:

ClinVar aggregate classification (germline): Benign. Review status: criteria provided, multiple submitters, no conflicts (2 of 4 stars). 2 submissions from 2 submitters: Benign (2). Last evaluated 2018-06-19.

Allele frequency attached by ClinVar (database versions not stated): TOPMed 0.16205; 1000 Genomes Project 30x 0.23876; 1000 Genomes Project 0.24661.
gnomAD v4.1: 24,921 of 151,406 alleles (16%); highest among the groups gnomAD compares: East Asian, 39%; 2,402 homozygotes.

Submissions (2):

GeneDx
Classification: Benign. Last evaluated: 2018-06-19. Review status: criteria provided, single submitter. Criteria: GeneDx Variant Classification (06012015). Collection method: clinical testing. Allele origin: germline. Affected: yes.
Comment: This variant is considered likely benign or benign based on one or more of the following criteria: it is a conservative change, it occurs at a poorly conserved position in the protein, it is predicted to be benign by multiple in silico algorithms, and/or has population frequency not consistent with disease.

Breakthrough Genomics
Classification: Benign. Review status: criteria provided, single submitter. Criteria: ACMG Guidelines, 2015. Collection method: not provided. Allele origin: germline. Inheritance: Autosomal recessive inheritance. Affected: yes.

NM_014141.6(CNTNAP2):c.755-258C>A

Gene: CNTNAP2 (contactin associated protein 2; plus strand). Cytogenetic location: 7q35.
Variant type: single nucleotide variant.
Coding change: c.755-258C>A on transcript NM_014141.6 (MANE Select); 258 bases into the intron before coding-DNA position 755, C replaced by A.
Molecular consequence: intron variant.
Genome position (GRCh38, 1-based): chr7:147,120,721, C>A. VCF-style: chr7-147120721-C-A. GRCh37 (hg19) VCF-style: chr7-146817813-C-A.
Identifiers: ClinVar variation 668785 (VCV000668785.2), dbSNP rs75216987, ClinGen allele CA16318402.